The following is an entry in ClinVar:

ClinVar aggregate classification (germline): Benign/Likely benign. Review status: criteria provided, multiple submitters, no conflicts (2 of 4 stars). 4 submissions from 4 submitters: Benign (1); Likely benign (2). 1 of the submissions does not count toward it. Last evaluated 2025-09-28.

Conditions:
NME8-related disorder. Also called: NME8-related condition.
Primary ciliary dyskinesia. Also called: Ciliary dyskinesia. Identifiers: Orphanet 244, MedGen C0008780, MONDO:0016575, HP:0012265.
Primary ciliary dyskinesia 6. Also called: Primary Ciliary Dyskinesia 6: TXNDC3-Related Primary Ciliary Dyskinesia. Identifiers: Orphanet 244, MedGen C1970506, MONDO:0012571, OMIM 610852.

Allele frequency attached by ClinVar (database versions not stated): TOPMed 0.00005; gnomAD 0.00006 and 0.00015; ESP Exome Variant Server 0.00008; 1000 Genomes Project 30x 0.00016; 1000 Genomes Project 0.00020; gnomAD exomes 0.00033; ExAC 0.00041.
gnomAD v4.1: 266 of 1,613,844 alleles (0.016%); highest among the groups gnomAD compares: South Asian, 0.21%; 3 homozygotes.

Submissions (4):

Labcorp Genetics (formerly Invitae), Labcorp
Classification: Benign for Primary ciliary dyskinesia 6. Last evaluated: 2025-09-28. Review status: criteria provided, single submitter. Criteria: Invitae Variant Classification Sherloc (09022015). Collection method: clinical testing. Allele origin: germline.

Ambry Genetics
Classification: Likely benign for Primary ciliary dyskinesia. Last evaluated: 2024-11-10. Review status: criteria provided, single submitter. Criteria: Ambry Variant Classification Scheme 2023. Collection method: clinical testing. Allele origin: germline.

Blueprint Genetics
Classification: Likely benign. Last evaluated: 2024-07-10. Review status: criteria provided, single submitter. Criteria: ACMG Guidelines, 2015. Collection method: clinical testing. Allele origin: germline.

PreventionGenetics, part of Exact Sciences
Classification: Likely benign for NME8-related condition. Last evaluated: 2019-06-27. Review status: no assertion criteria provided. Collection method: clinical testing. Allele origin: germline. Not counted in ClinVar's aggregate classification.
Comment: This variant is classified as likely benign based on ACMG/AMP sequence variant interpretation guidelines (Richards et al. 2015 PMID: 25741868, with internal and published modifications).

NM_016616.5(NME8):c.747C>T (p.Asn249=)

Gene: NME8 (NME/NM23 family member 8; plus strand). Cytogenetic location: 7p14.1.
Variant type: single nucleotide variant.
Coding change: c.747C>T on transcript NM_016616.5 (MANE Select); coding-DNA position 747, C replaced by T.
Protein change: p.Asn249=; no amino-acid change (asparagine 249 retained).
Molecular consequence: synonymous variant.
Genome position (GRCh38, 1-based): chr7:37,867,827, C>T. VCF-style: chr7-37867827-C-T. GRCh37 (hg19) VCF-style: chr7-37907429-C-T.
Identifiers: ClinVar variation 697805 (VCV000697805.15), dbSNP rs371745920, ClinGen allele CA4222326.